The following is an entry in ClinVar:

NM_178822.5(IGSF10):c.7597C>T (p.Arg2533Cys)

Gene: IGSF10 (immunoglobulin superfamily member 10; minus strand). Cytogenetic location: 3q25.1.
Variant type: single nucleotide variant.
Coding change: c.7597C>T on transcript NM_178822.5 (MANE Select); coding-DNA position 7597, C replaced by T.
Protein change: p.Arg2533Cys; replaces arginine 2533 with cysteine.
Molecular consequence: missense variant.
Genome position (GRCh38, 1-based): chr3:151,436,964, G>A on the plus strand (C>T on the coding strand, the complement: IGSF10 is on the minus strand). VCF-style: chr3-151436964-G-A. GRCh37 (hg19) VCF-style: chr3-151154752-G-A.
Other names: c.1534C>T, p.Arg512Cys (NM_001178145.3, NM_001178146.3); c.7597C>T, p.Arg2533Cys (NM_001385060.1, NM_001385061.1, NM_001385062.1 and 1 more transcripts); short protein forms R2533C, R512C.
Identifiers: ClinVar variation 4274405 (VCV004274405.2).

ClinVar aggregate classification (germline): Uncertain significance. Review status: criteria provided, multiple submitters, no conflicts (2 of 4 stars). 2 submissions from 2 submitters: Uncertain significance (2). Last evaluated 2025-10-29.

gnomAD v4.1: 37 of 1,614,084 alleles (0.0023%); highest among the groups gnomAD compares: Middle Eastern, 0.016%; no homozygotes.

Submissions (2):

Labcorp Genetics (formerly Invitae), Labcorp
Classification: Uncertain significance. Last evaluated: 2025-10-29. Review status: criteria provided, single submitter. Criteria: Invitae Variant Classification Sherloc (09022015). Collection method: clinical testing. Allele origin: germline.
Comment: This sequence change replaces arginine, which is basic and polar, with cysteine, which is neutral and slightly polar, at codon 2533 of the IGSF10 protein (p.Arg2533Cys). This variant is present in population databases (rs776551400, gnomAD 0.008%). This variant has not been reported in the literature in individuals affected with IGSF10-related conditions. ClinVar contains an entry for this variant (Variation ID: 4274405). An algorithm developed to predict the effect of missense changes on protein structure and function (PolyPhen-2) suggests that this variant is likely to be disruptive. In summary, the available evidence is currently insufficient to determine the role of this variant in disease. Therefore, it has been classified as a Variant of Uncertain Significance.

Ambry Genetics
Classification: Uncertain significance. Last evaluated: 2025-09-02. Review status: criteria provided, single submitter. Criteria: Ambry Variant Classification Scheme 2023. Collection method: clinical testing. Allele origin: germline.